The following is an entry in ClinVar:

ClinVar aggregate classification (germline): Uncertain significance (1 of 4 stars; one submission).

Conditions:
Inborn genetic diseases. Identifiers: MedGen C0950123, MeSH D030342.

Submission:

Ambry Genetics
Classification: Uncertain significance for Inborn genetic diseases. Last evaluated: 2023-01-04. Review status: criteria provided, single submitter. Criteria: Ambry Variant Classification Scheme 2023. Collection method: clinical testing. Allele origin: germline.
Comment: The p.D112Y variant (also known as c.334G>T), located in coding exon 4 of the MDH2 gene, results from a G to T substitution at nucleotide position 334. The aspartic acid at codon 112 is replaced by tyrosine, an amino acid with highly dissimilar properties. This amino acid position is conserved. In addition, this alteration is predicted to be deleterious by in silico analysis. Since supporting evidence is limited at this time, the clinical significance of this alteration remains unclear.

NM_005918.4(MDH2):c.334G>T (p.Asp112Tyr)

Gene: MDH2 (malate dehydrogenase 2; plus strand). Cytogenetic location: 7q11.23.
Variant type: single nucleotide variant.
Coding change: c.334G>T on transcript NM_005918.4 (MANE Select); coding-DNA position 334, G replaced by T.
Protein change: p.Asp112Tyr; replaces aspartic acid 112 with tyrosine.
Molecular consequence: missense variant.
Genome position (GRCh38, 1-based): chr7:76,057,983, G>T. VCF-style: chr7-76057983-G-T. GRCh37 (hg19) VCF-style: chr7-75687301-G-T.
Other names: c.334G>T, p.Asp112Tyr (NM_001282403.2); c.13G>T, p.Asp5Tyr (NM_001282404.2); short protein forms D112Y, D5Y.
Identifiers: ClinVar variation 2496822 (VCV002496822.2), dbSNP rs1554586506, ClinGen allele CA367764049.
Genomic context (GRCh38, chr7:76,057,983, plus strand): 5'-AATTTGTGGTGTTCTCTGTTAACATCTCATATTGGATCATTTCCAGGCATGACCCGGGAC[G>T]ACCTGTTCAACACCAATGCCACGATTGTGGCCACCCTGACCGCTGCCTGTGCCCAGCACT-3'
Protein context (NP_005909.2, residues 102-122): VPRKPGMTRD[Asp112Tyr]LFNTNATIVA